The following is an entry in ClinVar:

NM_022552.5(DNMT3A):c.2618A>T (p.His873Leu)

Gene: DNMT3A (DNA methyltransferase 3 alpha; minus strand). Cytogenetic location: 2p23.3.
Variant type: single nucleotide variant.
Coding change: c.2618A>T on transcript NM_022552.5 (MANE Select); coding-DNA position 2618, A replaced by T.
Protein change: p.His873Leu; replaces histidine 873 with leucine.
Molecular consequence: missense variant. On other transcripts: non-coding transcript variant (1).
Genome position (GRCh38, 1-based): chr2:25,234,400, T>A on the plus strand (A>T on the coding strand, the complement: DNMT3A is on the minus strand). VCF-style: chr2-25234400-T-A. GRCh37 (hg19) VCF-style: chr2-25457269-T-A.
Other names: c.2162A>T, p.His721Leu (NM_001320893.1); c.1949A>T, p.His650Leu (NM_001375819.1); c.2051A>T, p.His684Leu (NM_153759.3); c.2618A>T, p.His873Leu (NM_175629.2); short protein forms H650L, H684L, H721L, H873L.
Identifiers: ClinVar variation 4869995 (VCV004869995.1).

ClinVar aggregate classification (germline): Uncertain significance (1 of 4 stars; one submission).

Conditions:
Inborn genetic diseases. Identifiers: MedGen C0950123, MeSH D030342.

Submission:

Ambry Genetics
Classification: Uncertain significance for Inborn genetic diseases. Last evaluated: 2026-03-16. Review status: criteria provided, single submitter. Criteria: Ambry Variant Classification Scheme 2023. Collection method: clinical testing. Allele origin: germline.
Comment: The p.H873L variant (also known as c.2618A>T), located in coding exon 22 of the DNMT3A gene, results from an A to T substitution at nucleotide position 2618. The histidine at codon 873 is replaced by leucine, an amino acid with similar properties. This amino acid position is conserved. In addition, this alteration is predicted to be deleterious by in silico analysis. Based on the available evidence, the clinical significance of this variant remains unclear.